The following is an entry in ClinVar:

NM_005655.4(KLF10):c.739C>A (p.Pro247Thr)

Gene: KLF10 (KLF transcription factor 10; minus strand). Cytogenetic location: 8q22.3.
Variant type: single nucleotide variant.
Coding change: c.739C>A on transcript NM_005655.4 (MANE Select); coding-DNA position 739, C replaced by A.
Protein change: p.Pro247Thr; replaces proline 247 with threonine.
Molecular consequence: missense variant.
Genome position (GRCh38, 1-based): chr8:102,651,593, G>T on the plus strand (C>A on the coding strand, the complement: KLF10 is on the minus strand). VCF-style: chr8-102651593-G-T. GRCh37 (hg19) VCF-style: chr8-103663821-G-T.
Other names: c.706C>A, p.Pro236Thr (NM_001032282.4); short protein forms P247T, P236T.
Identifiers: ClinVar variation 2017487 (VCV002017487.4), dbSNP rs2537070906, ClinGen allele CA371627384.

ClinVar aggregate classification (germline): Uncertain significance (1 of 4 stars; one submission).

Submission:

Labcorp Genetics (formerly Invitae), Labcorp
Classification: Uncertain significance. Last evaluated: 2022-07-15. Review status: criteria provided, single submitter. Criteria: Invitae Variant Classification Sherloc (09022015). Collection method: clinical testing. Allele origin: germline.
Comment: In summary, the available evidence is currently insufficient to determine the role of this variant in disease. Therefore, it has been classified as a Variant of Uncertain Significance. Algorithms developed to predict the effect of missense changes on protein structure and function are either unavailable or do not agree on the potential impact of this missense change (SIFT: "Deleterious"; PolyPhen-2: "Benign"; Align-GVGD: "Class C35"). This variant has not been reported in the literature in individuals affected with KLF10-related conditions. This variant is not present in population databases (gnomAD no frequency). This sequence change replaces proline, which is neutral and non-polar, with threonine, which is neutral and polar, at codon 247 of the KLF10 protein (p.Pro247Thr).